The following is an entry in ClinVar:

ClinVar aggregate classification (germline): Uncertain significance. Review status: criteria provided, multiple submitters, no conflicts (2 of 4 stars). 5 submissions from 5 submitters: Uncertain significance (5). Last evaluated 2025-12-08.

Conditions:
Hereditary cancer-predisposing syndrome. Also called: Tumor predisposition; Hereditary Cancer Syndrome; Neoplastic Syndromes, Hereditary; Hereditary neoplastic syndrome. Identifiers: Orphanet 140162, MedGen C0027672, MeSH D009386, MONDO:0015356.
Hereditary diffuse gastric adenocarcinoma (HDGC). Also called: DIFFUSE GASTRIC AND LOBULAR BREAST CANCER SYNDROME. Identifiers: Orphanet 26106, MedGen C1708349, MONDO:0007648, OMIM 137215.
Familial cancer of breast. Also called: Hereditary breast cancer; BREAST CANCER, FAMILIAL; hereditary breast carcinoma. Identifiers: Orphanet 227535, MedGen C0346153, MONDO:0016419, OMIM 114480. Disease mechanism: loss of function.

Allele frequency attached by ClinVar (database versions not stated): TOPMed 0.00001.

Submissions (5):

Ambry Genetics
Classification: Uncertain significance for Hereditary cancer-predisposing syndrome. Last evaluated: 2025-12-08. Review status: criteria provided, single submitter. Criteria: Ambry Variant Classification Scheme 2023. Collection method: clinical testing. Allele origin: germline.
Comment: The p.L21F variant (also known as c.61C>T), located in coding exon 2 of the CDH1 gene, results from a C to T substitution at nucleotide position 61. The leucine at codon 21 is replaced by phenylalanine, an amino acid with highly similar properties. This amino acid position is well conserved in available vertebrate species. In addition, this alteration is predicted to be tolerated by in silico analysis. Based on the available evidence, the clinical significance of this variant remains unclear.

Labcorp Genetics (formerly Invitae), Labcorp
Classification: Uncertain significance for Hereditary diffuse gastric adenocarcinoma. Last evaluated: 2025-09-09. Review status: criteria provided, single submitter. Criteria: Invitae Variant Classification Sherloc (09022015). Collection method: clinical testing. Allele origin: germline.
Comment: This sequence change replaces leucine, which is neutral and non-polar, with phenylalanine, which is neutral and non-polar, at codon 21 of the CDH1 protein (p.Leu21Phe). This variant is not present in population databases (gnomAD no frequency). This variant has not been reported in the literature in individuals affected with CDH1-related conditions. ClinVar contains an entry for this variant (Variation ID: 216596). An algorithm developed to predict the effect of missense changes on protein structure and function (PolyPhen-2) suggests that this variant is likely to be tolerated. In summary, the available evidence is currently insufficient to determine the role of this variant in disease. Therefore, it has been classified as a Variant of Uncertain Significance.

GeneDx
Classification: Uncertain significance. Last evaluated: 2024-04-23. Review status: criteria provided, single submitter. Criteria: GeneDx Variant Classification Process June 2021. Collection method: clinical testing. Allele origin: germline. Affected: yes.
Comment: Not observed at significant frequency in large population cohorts (gnomAD); In silico analysis indicates that this missense variant does not alter protein structure/function; In silico analysis suggests this variant may impact gene splicing. In the absence of RNA/functional studies, the actual effect of this sequence change is unknown.; Has not been previously published as pathogenic or benign to our knowledge; This variant is associated with the following publications: (PMID: 15235021)

Baylor Genetics
Classification: Uncertain significance for Familial cancer of breast. Last evaluated: 2023-08-22. Review status: criteria provided, single submitter. Criteria: ACMG Guidelines, 2015. Collection method: clinical testing. Allele origin: unknown.

Color Diagnostics, LLC DBA Color Health
Classification: Uncertain significance for Hereditary cancer-predisposing syndrome. Last evaluated: 2020-11-16. Review status: criteria provided, single submitter. Criteria: ACMG Guidelines, 2015. Collection method: clinical testing. Allele origin: germline.
Comment: This missense variant replaces leucine with phenylalanine at codon 21 of the CDH1 protein. To our knowledge, functional studies have not been reported for this variant. This variant has not been reported in individuals affected with hereditary cancer in the literature. This variant has not been identified in the general population by the Genome Aggregation Database (gnomAD). The available evidence is insufficient to determine the role of this variant in disease conclusively. Therefore, this variant is classified as a Variant of Uncertain Significance.

NM_004360.5(CDH1):c.61C>T (p.Leu21Phe)

Gene: CDH1 (cadherin 1; plus strand). Cytogenetic location: 16q22.1.
Variant type: single nucleotide variant.
Coding change: c.61C>T on transcript NM_004360.5 (MANE Select); coding-DNA position 61, C replaced by T.
Protein change: p.Leu21Phe; replaces leucine 21 with phenylalanine.
Molecular consequence: missense variant. On other transcripts: 5 prime UTR variant (2).
Genome position (GRCh38, 1-based): chr16:68,738,309, C>T. VCF-style: chr16-68738309-C-T. GRCh37 (hg19) VCF-style: chr16-68772212-C-T.
Other names: c.61C>T (LRG_301t1); c.61C>T, p.Leu21Phe (NM_001317184.2); c.-1555C>T (NM_001317185.2); c.-1759C>T (NM_001317186.2); short protein forms L21F.
Identifiers: ClinVar variation 216596 (VCV000216596.18), dbSNP rs863224729, ClinGen allele CA338485.